The following is an entry in ClinVar:

ClinVar aggregate classification (germline): Pathogenic. Review status: criteria provided, multiple submitters, no conflicts (2 of 4 stars). 2 submissions from 2 submitters: Pathogenic (2). Last evaluated 2021-10-29.

Conditions:
Inborn genetic diseases. Identifiers: MedGen C0950123, MeSH D030342.
Gorlin syndrome. Also called: Nevoid Basal Cell Carcinoma Syndrome; Basal cell nevus syndrome. Identifiers: Orphanet 377, MedGen C0004779, MONDO:0007187.

Submissions (2):

Labcorp Genetics (formerly Invitae), Labcorp
Classification: Pathogenic for Gorlin syndrome. Last evaluated: 2021-10-29. Review status: criteria provided, single submitter. Criteria: Invitae Variant Classification Sherloc (09022015). Collection method: clinical testing. Allele origin: germline.
Comment: ClinVar contains an entry for this variant (Variation ID: 521551). For these reasons, this variant has been classified as Pathogenic. This premature translational stop signal has been observed in individual(s) with clinical features of basal cell nevus syndrome (PMID: 24204797). This variant is not present in population databases (gnomAD no frequency). This sequence change creates a premature translational stop signal (p.Trp78*) in the PTCH1 gene. It is expected to result in an absent or disrupted protein product. Loss-of-function variants in PTCH1 are known to be pathogenic (PMID: 16301862, 16419085).

Ambry Genetics
Classification: Pathogenic for Inborn genetic diseases. Last evaluated: 2017-01-26. Review status: criteria provided, single submitter. Criteria: Ambry exome assertion method (8-5-2015). Collection method: clinical testing. Allele origin: germline. Affected: yes. Observed: 1 variant allele.

Literature cited by the submitters: PubMed 24204797 (cited by Labcorp Genetics (formerly Invitae), Labcorp); PubMed 16301862 (cited by Labcorp Genetics (formerly Invitae), Labcorp); PubMed 16419085 (cited by Labcorp Genetics (formerly Invitae), Labcorp).

NM_000264.5(PTCH1):c.234G>A (p.Trp78Ter)

Gene: PTCH1 (patched 1; minus strand). Cytogenetic location: 9q22.32.
Variant type: single nucleotide variant.
Coding change: c.234G>A on transcript NM_000264.5 (MANE Select); coding-DNA position 234, G replaced by A.
Protein change: p.Trp78Ter; replaces tryptophan 78 with a stop codon.
Molecular consequence: nonsense. On other transcripts: 5 prime UTR variant (4), non-coding transcript variant (1).
Genome position (GRCh38, 1-based): chr9:95,506,567, C>T on the plus strand (G>A on the coding strand, the complement: PTCH1 is on the minus strand). VCF-style: chr9-95506567-C-T. GRCh37 (hg19) VCF-style: chr9-98268849-C-T.
Other names: c.36G>A, p.Trp12Ter (NM_001083602.3, NM_001354919.2); c.231G>A, p.Trp77Ter (NM_001083603.3); c.-220G>A (NM_001083604.3, NM_001083605.3, NM_001083606.3 and 1 more transcripts); c.234G>A, p.Trp78Ter (NM_001354918.2); short protein forms W12*, W78*, W77*.
Identifiers: ClinVar variation 521551 (VCV000521551.10), dbSNP rs1554708787, ClinGen allele CA374120644.